The following is an entry in ClinVar:

NM_001040716.2(PC):c.1877G>A (p.Arg626Gln)

Gene: PC (pyruvate carboxylase; minus strand). Cytogenetic location: 11q13.2.
Variant type: single nucleotide variant.
Coding change: c.1877G>A on transcript NM_001040716.2 (MANE Select); coding-DNA position 1877, G replaced by A.
Protein change: p.Arg626Gln; replaces arginine 626 with glutamine.
Molecular consequence: missense variant.
Genome position (GRCh38, 1-based): chr11:66,851,895, C>T on the plus strand (G>A on the coding strand, the complement: PC is on the minus strand). VCF-style: chr11-66851895-C-T. GRCh37 (hg19) VCF-style: chr11-66619366-C-T.
Other names: c.1877G>A, p.Arg626Gln (NM_000920.4, NM_022172.3); short protein forms R626Q.
Identifiers: ClinVar variation 930540 (VCV000930540.3), dbSNP rs780759271, ClinGen allele CA6131231.

ClinVar aggregate classification (germline): Uncertain significance (1 of 4 stars; one submission).

Conditions:
Pyruvate carboxylase deficiency. Also called: Pyruvate Carboxylase Deficiency Disease; LEIGH NECROTIZING ENCEPHALOPATHY DUE TO PYRUVATE CARBOXYLASE DEFICIENCY; LEIGH SYNDROME DUE TO PYRUVATE CARBOXYLASE DEFICIENCY; PC DEFICIENCY; ATAXIA WITH LACTIC ACIDOSIS II. Identifiers: Orphanet 3008, MedGen C0034341, MONDO:0009949, OMIM 266150.

Allele frequency attached by ClinVar (database versions not stated): gnomAD below 0.00001 and 0.00001; ExAC 0.00001; gnomAD exomes 0.00001.
gnomAD v4.1: 11 of 1,613,952 alleles (0.00068%); highest among the groups gnomAD compares: South Asian, 0.0033%; no homozygotes.

Submission:

Centre for Mendelian Genomics, University Medical Centre Ljubljana
Classification: Uncertain significance for Pyruvate carboxylase deficiency. Last evaluated: 2019-09-06. Review status: criteria provided, single submitter. Criteria: ACMG Guidelines, 2015. Collection method: clinical testing. Allele origin: unknown. Affected: yes.
Comment: This variant was classified as: Uncertain significance. The available evidence favors the pathogenic nature of this variant, however the currently available data is insufficient to conclusively support its pathogenic nature. Thus this variant is classified as Uncertain significance - favor pathogenic. The following ACMG criteria were applied in classifying this variant: PM2,PP3,PP5.